The following is an entry in ClinVar:

ClinVar aggregate classification (germline): Benign/Likely benign. Review status: criteria provided, multiple submitters, no conflicts (2 of 4 stars). 9 submissions from 9 submitters: Benign (5); Likely benign (3). 1 of the submissions does not count toward it. Last evaluated 2026-02-04.

Conditions:
Paget disease of bone 3. Identifiers: MedGen C4085252, MONDO:0008176, OMIM 167250.
Paget disease of bone 2, early-onset (PDB2). Also called: Paget disease of bone 2. Identifiers: MedGen C4085251, MONDO:0011183, OMIM 602080.
Frontotemporal dementia and/or amyotrophic lateral sclerosis 1 (FTDALS1). Also called: C9orf72 Frontotemporal Dementia and/or Amyotrophic Lateral Sclerosis; Frontotemporal dementia with motor neuron disease 1. Identifiers: Orphanet 275872, MedGen C5779877, MONDO:0007105, OMIM 105550.

Allele frequency attached by ClinVar (database versions not stated): 1000 Genomes Project 30x 0.00859; 1000 Genomes Project 0.00899; gnomAD 0.01511 and 0.01529; TOPMed 0.01518; ExAC 0.01771; gnomAD exomes 0.01782 and 0.02004; ESP Exome Variant Server 0.01868.
gnomAD v4.1: 31,772 of 1,614,204 alleles (2%); highest among the groups gnomAD compares: Middle Eastern, 3.5%; 401 homozygotes.

Submissions (9):

Labcorp Genetics (formerly Invitae), Labcorp
Classification: Benign for Paget disease of bone 2, early-onset; Frontotemporal dementia and/or amyotrophic lateral sclerosis 1. Last evaluated: 2026-02-04. Review status: criteria provided, single submitter. Criteria: Invitae Variant Classification Sherloc (09022015). Collection method: clinical testing. Allele origin: germline.

Blueprint Genetics
Classification: Likely benign. Last evaluated: 2024-11-25. Review status: criteria provided, single submitter. Criteria: ACMG Guidelines, 2015. Collection method: clinical testing. Allele origin: germline.

Mayo Clinic Laboratories, Mayo Clinic
Classification: Benign. Last evaluated: 2024-10-18. Review status: criteria provided, single submitter. Criteria: ACMG Guidelines, 2015. Collection method: clinical testing. Allele origin: germline. Observed: 119 variant alleles.
Comment: BA1, BP4

Athena Diagnostics
Classification: Benign. Last evaluated: 2024-02-19. Review status: criteria provided, single submitter. Criteria: Athena Diagnostics Criteria. Collection method: clinical testing. Allele origin: unknown.

GeneDx
Classification: Benign. Last evaluated: 2019-08-28. Review status: criteria provided, single submitter. Criteria: GeneDx Variant Classification Process June 2021. Collection method: clinical testing. Allele origin: germline. Affected: yes.
Comment: This variant is associated with the following publications: (PMID: 22972638, 25617006, 27275741, 24899140, 23942205, 25681989, 25796131, 15164150, 24042580)

Illumina Laboratory Services, Illumina
Classification: Likely benign for Paget disease of bone 3. Last evaluated: 2018-01-13. Review status: criteria provided, single submitter. Criteria: ICSL Variant Classification Criteria 13 December 2019. Collection method: clinical testing. Allele origin: germline.
Comment: This variant was observed in the ICSL laboratory as part of a predisposition screen in an ostensibly healthy population. It had not been previously curated by ICSL or reported in the Human Gene Mutation Database (HGMD: prior to June 1st, 2018), and was therefore a candidate for classification through an automated scoring system. Utilizing variant allele frequency, disease prevalence and penetrance estimates, and inheritance mode, an automated score was calculated to assess if this variant is too frequent to cause the disease. Based on the score and internal cut-off values, a variant classified as likely benign is not then subjected to further curation. The score for this variant resulted in a classification of likely benign for this disease.

Breakthrough Genomics
Classification: Likely benign. Review status: criteria provided, single submitter. Criteria: ACMG Guidelines, 2015. Collection method: not provided. Allele origin: germline. Inheritance: Autosomal recessive inheritance. Affected: yes.

PreventionGenetics, part of Exact Sciences
Classification: Benign. Review status: criteria provided, single submitter. Criteria: ACMG Guidelines, 2015. Collection method: clinical testing. Allele origin: germline.

Genome Diagnostics Laboratory, Amsterdam University Medical Center
Classification: Likely benign for Paget disease of bone 2, early-onset. Last evaluated: 2016-11-24. Review status: no assertion criteria provided. Criteria: ACGS Guidelines, 2013. Collection method: clinical testing. Allele origin: germline. Affected: yes. Study: VKGL Data-share Consensus. Not counted in ClinVar's aggregate classification.

Literature cited by the submitters: PubMed 25681989 (cited by Athena Diagnostics); PubMed 22972638 (cited by Athena Diagnostics); PubMed 25796131 (cited by Athena Diagnostics); PubMed 32409511 (cited by Athena Diagnostics).

NM_003900.5(SQSTM1):c.822G>C (p.Glu274Asp)

Gene: SQSTM1 (sequestosome 1; plus strand). Cytogenetic location: 5q35.3.
Variant type: single nucleotide variant.
Coding change: c.822G>C on transcript NM_003900.5 (MANE Select); coding-DNA position 822, G replaced by C.
Protein change: p.Glu274Asp; replaces glutamic acid 274 with aspartic acid.
Molecular consequence: missense variant.
Genome position (GRCh38, 1-based): chr5:179,833,099, G>C. VCF-style: chr5-179833099-G-C. GRCh37 (hg19) VCF-style: chr5-179260099-G-C.
Other names: c.570G>C, p.Glu190Asp (NM_001142298.2, NM_001142299.2); short protein forms E190D, E274D.
Identifiers: ClinVar variation 259188 (VCV000259188.26), dbSNP rs55793208, ClinGen allele CA3600699.